The following is an entry in ClinVar:

NM_004733.4(SLC33A1):c.620G>A (p.Arg207Lys)

Gene: SLC33A1 (solute carrier family 33 member 1; minus strand). Cytogenetic location: 3q25.31.
Variant type: single nucleotide variant.
Coding change: c.620G>A on transcript NM_004733.4 (MANE Select); coding-DNA position 620, G replaced by A.
Protein change: p.Arg207Lys; replaces arginine 207 with lysine.
Molecular consequence: missense variant.
Genome position (GRCh38, 1-based): chr3:155,853,378, C>T on the plus strand (G>A on the coding strand, the complement: SLC33A1 is on the minus strand). VCF-style: chr3-155853378-C-T. GRCh37 (hg19) VCF-style: chr3-155571167-C-T.
Other names: c.620G>A, p.Arg207Lys (NM_001190992.2, NM_001363883.1); short protein forms R207K.
Identifiers: ClinVar variation 2227912 (VCV002227912.2), dbSNP rs1406213371, ClinGen allele CA355143215.

ClinVar aggregate classification (germline): Uncertain significance (1 of 4 stars; one submission).

Conditions:
Inborn genetic diseases. Identifiers: MedGen C0950123, MeSH D030342.

Allele frequency attached by ClinVar (database versions not stated): gnomAD exomes below 0.00001.
gnomAD v4.1: 2 of 1,614,144 alleles (0.00012%); highest among the groups gnomAD compares: East Asian, 0.0022%; no homozygotes.

Submission:

Ambry Genetics
Classification: Uncertain significance for Inborn genetic diseases. Last evaluated: 2020-11-13. Review status: criteria provided, single submitter. Criteria: Ambry Variant Classification Scheme 2023. Collection method: clinical testing. Allele origin: germline.
Comment: The c.620G>A (p.R207K) alteration is located in exon 1 (coding exon 1) of the SLC33A1 gene. This alteration results from a G to A substitution at nucleotide position 620, causing the arginine (R) at amino acid position 207 to be replaced by a lysine (K). Based on data from the Genome Aggregation Database (gnomAD) database, the SLC33A1 c.620G>A alteration was observed in 0.0004% (1/251426) of total alleles studied. This amino acid position is highly conserved in available vertebrate species. The p.R207K alteration is predicted to be tolerated by in silico analysis. Based on insufficient or conflicting evidence, the clinical significance of this alteration remains unclear.